The following is an entry in ClinVar:

NM_004360.5(CDH1):c.2313G>T (p.Gln771His)

Gene: CDH1 (cadherin 1; plus strand). Cytogenetic location: 16q22.1.
Variant type: single nucleotide variant.
Coding change: c.2313G>T on transcript NM_004360.5 (MANE Select); coding-DNA position 2313, G replaced by T.
Protein change: p.Gln771His; replaces glutamine 771 with histidine.
Molecular consequence: missense variant.
Genome position (GRCh38, 1-based): chr16:68,829,671, G>T. VCF-style: chr16-68829671-G-T. GRCh37 (hg19) VCF-style: chr16-68863574-G-T.
Other names: c.2130G>T, p.Gln710His (NM_001317184.2); c.765G>T, p.Gln255His (NM_001317185.2); c.348G>T, p.Gln116His (NM_001317186.2); short protein forms Q116H, Q255H, Q710H, Q771H.
Identifiers: ClinVar variation 1721800 (VCV001721800.6), dbSNP rs2152142247, ClinGen allele CA396470831.
Genomic context (GRCh38, chr16:68,829,671, plus strand): 5'-TCTTTCCTACTCTTCATTGTACTTCAACCTTTTTTCTCCAAAGGACTTTGACTTGAGCCA[G>T]CTGCACAGGGGCCTGGACGCTCGGCCTGAAGTGACTCGTAACGACGTTGCACCAACCCTC-3'
Protein context (NP_004351.1, residues 761-781): GEEDQDFDLS[Gln771His]LHRGLDARPE

ClinVar aggregate classification (germline): Uncertain significance (1 of 4 stars; one submission).

Conditions:
Hereditary diffuse gastric adenocarcinoma (HDGC). Also called: DIFFUSE GASTRIC AND LOBULAR BREAST CANCER SYNDROME. Identifiers: Orphanet 26106, MedGen C1708349, MONDO:0007648, OMIM 137215.

Submission:

Labcorp Genetics (formerly Invitae), Labcorp
Classification: Uncertain significance for Hereditary diffuse gastric adenocarcinoma. Last evaluated: 2022-10-18. Review status: criteria provided, single submitter. Criteria: Invitae Variant Classification Sherloc (09022015). Collection method: clinical testing. Allele origin: germline.
Comment: This variant has not been reported in the literature in individuals affected with CDH1-related conditions. In summary, the available evidence is currently insufficient to determine the role of this variant in disease. Therefore, it has been classified as a Variant of Uncertain Significance. Algorithms developed to predict the effect of missense changes on protein structure and function are either unavailable or do not agree on the potential impact of this missense change (SIFT: "Tolerated"; PolyPhen-2: "Probably Damaging"; Align-GVGD: "Class C0"). This variant is not present in population databases (gnomAD no frequency). This sequence change replaces glutamine, which is neutral and polar, with histidine, which is basic and polar, at codon 771 of the CDH1 protein (p.Gln771His).